The following is an entry in ClinVar:

NM_015355.4(SUZ12):c.1097A>G (p.Asn366Ser)

Gene: SUZ12 (SUZ12 polycomb repressive complex 2 subunit; plus strand). Cytogenetic location: 17q11.2.
Variant type: single nucleotide variant.
Coding change: c.1097A>G on transcript NM_015355.4 (MANE Select); coding-DNA position 1097, A replaced by G.
Protein change: p.Asn366Ser; replaces asparagine 366 with serine.
Molecular consequence: missense variant.
Genome position (GRCh38, 1-based): chr17:31,988,393, A>G. VCF-style: chr17-31988393-A-G. GRCh37 (hg19) VCF-style: chr17-30315412-A-G.
Other names: c.1028A>G, p.Asn343Ser (NM_001321207.2); short protein forms N343S, N366S.
Identifiers: ClinVar variation 3051375 (VCV003051375.2), dbSNP rs151019506, ClinGen allele CA8489686.

ClinVar aggregate classification (germline): Likely benign (0 of 4 stars; one submission).

Conditions:
SUZ12-related disorder. Also called: SUZ12-related condition.

Allele frequency attached by ClinVar (database versions not stated): gnomAD exomes 0.00007; TOPMed 0.00010; ExAC 0.00013; ESP Exome Variant Server 0.00015; gnomAD 0.00017.
gnomAD v4.1: 131 of 1,613,724 alleles (0.0081%); highest among the groups gnomAD compares: South Asian, 0.047%; 1 homozygote.

Submission:

PreventionGenetics, part of Exact Sciences
Classification: Likely benign for SUZ12-related condition. Last evaluated: 2022-06-01. Review status: no assertion criteria provided. Collection method: clinical testing. Allele origin: germline.
Comment: This variant is classified as likely benign based on ACMG/AMP sequence variant interpretation guidelines (Richards et al. 2015 PMID: 25741868, with internal and published modifications).